The following is an entry in ClinVar:

NM_007294.4(BRCA1):c.4987-20A>G

Gene: BRCA1 (BRCA1 DNA repair associated; minus strand). Cytogenetic location: 17q21.31.
Variant type: single nucleotide variant.
Coding change: c.4987-20A>G on transcript NM_007294.4 (MANE Select); 20 bases into the intron before coding-DNA position 4987, A replaced by G.
Molecular consequence: intron variant.
Genome position (GRCh38, 1-based): chr17:43,067,715, T>C on the plus strand (A>G on the coding strand, the complement: BRCA1 is on the minus strand). VCF-style: chr17-43067715-T-C. GRCh37 (hg19) VCF-style: chr17-41219732-T-C.
Other names: p.?; IVS16-20A>G; c.1534-20A>G (NM_001408458.1, NM_001408461.1, NM_001408464.1 and 7 more transcripts); c.4096-20A>G (NM_001407967.1); c.4606-20A>G (NM_001407959.1); c.4720-20A>G (NM_001407931.1, NM_001407932.1, NM_001407928.1 and 4 more transcripts); c.4843-20A>G (NM_001407747.1, NM_001407745.1, NM_001407737.1 and 21 more transcripts); c.4603-20A>G (NM_001407962.1, NM_001407960.1); and 73 more.
Identifiers: ClinVar variation 91635 (VCV000091635.62), dbSNP rs80358035, ClinGen allele CA003131.

ClinVar aggregate classification (germline): Benign. Review status: reviewed by expert panel (3 of 4 stars). 23 submissions from 23 submitters: Benign (1). 22 of the submissions do not count toward it. Last evaluated 2015-08-10.

Conditions:
Breast and/or ovarian cancer. Identifiers: MedGen CN221562.
Hereditary cancer-predisposing syndrome. Also called: Hereditary Cancer Syndrome; Hereditary neoplastic syndrome; Neoplastic Syndromes, Hereditary; Tumor predisposition. Identifiers: Orphanet 140162, MedGen C0027672, MeSH D009386, MONDO:0015356.
Hereditary breast ovarian cancer syndrome. Also called: BRCA1- and BRCA2-Associated Hereditary Breast and Ovarian Cancer; Hereditary breast and ovarian cancer syndrome; Hereditary breast and ovarian cancer syndrome (HBOC); Breast and ovarian cancer; Hereditary breast and/or ovarian cancer syndrome; Hereditary breast and ovarian cancer. Identifiers: Orphanet 145, MedGen C0677776, MeSH D061325, MONDO:0003582. Disease mechanism: loss of function.
Familial cancer of breast. Also called: hereditary breast carcinoma; BREAST CANCER, FAMILIAL; Hereditary breast cancer. Identifiers: Orphanet 227535, MedGen C0346153, MONDO:0016419, OMIM 114480. Disease mechanism: loss of function.
Breast-ovarian cancer, familial, susceptibility to, 1 (BROVCA1). Also called: BRCA1 Hereditary Breast and Ovarian Cancer; OVARIAN CANCER, SUSCEPTIBILITY TO. Identifiers: Orphanet 145, MedGen C2676676, MONDO:0011450, OMIM 604370. Disease mechanism: loss of function.

Allele frequency attached by ClinVar (database versions not stated): ESP Exome Variant Server 0.00223; 1000 Genomes Project 0.00240; gnomAD 0.00252; TOPMed 0.00274; ExAC 0.00070; 1000 Genomes Project 30x 0.00250; gnomAD exomes 0.00059.
gnomAD v4.1: 751 of 1,584,512 alleles (0.047%); highest among the groups gnomAD compares: African/African-American, 0.9%; 5 homozygotes.

Submissions (23):

Evidence-based Network for the Interpretation of Germline Mutant Alleles (ENIGMA)
Classification: Benign for Breast-ovarian cancer, familial 1. Last evaluated: 2015-08-10. Review status: reviewed by expert panel. Criteria: ENIGMA BRCA1/2 Classification Criteria (2015). Collection method: curation. Allele origin: germline.
Comment: IARC class based on posterior probability from multifactorial likelihood analysis, thresholds for class as per Plon et al. 2008 (PMID: 18951446). Class 1 based on posterior probability = 0.000000197

Labcorp Genetics (formerly Invitae), Labcorp
Classification: Benign for Hereditary breast ovarian cancer syndrome. Last evaluated: 2026-02-04. Review status: criteria provided, single submitter. Criteria: Invitae Variant Classification Sherloc (09022015). Collection method: clinical testing. Allele origin: germline. Not counted in ClinVar's aggregate classification.

Center for Genomic Medicine, Rigshospitalet, Copenhagen University Hospital
Classification: Benign. Last evaluated: 2025-03-04. Review status: criteria provided, single submitter. Criteria: ACMG Guidelines, 2015. Collection method: clinical testing. Allele origin: germline. Not counted in ClinVar's aggregate classification.

ARUP Laboratories, Molecular Genetics and Genomics, ARUP Laboratories
Classification: Benign. Last evaluated: 2024-12-06. Review status: criteria provided, single submitter. Criteria: ARUP Molecular Germline Variant Investigation Process 2024. Collection method: clinical testing. Allele origin: germline. Not counted in ClinVar's aggregate classification.

Blueprint Genetics
Classification: Likely benign. Last evaluated: 2024-09-23. Review status: criteria provided, single submitter. Criteria: ACMG Guidelines, 2015. Collection method: clinical testing. Allele origin: germline. Not counted in ClinVar's aggregate classification.

Mayo Clinic Laboratories, Mayo Clinic
Classification: Benign. Last evaluated: 2024-03-15. Review status: criteria provided, single submitter. Criteria: ACMG Guidelines, 2015. Collection method: clinical testing. Allele origin: germline. Observed: 6 variant alleles. Not counted in ClinVar's aggregate classification.
Comment: BA1, BP4, BP7

KCCC/NGS Laboratory, Kuwait Cancer Control Center
Classification: Benign for Breast-ovarian cancer, familial, susceptibility to, 1. Last evaluated: 2023-07-07. Review status: criteria provided, single submitter. Criteria: ACMG Guidelines, 2015. Collection method: clinical testing. Allele origin: germline. Affected: yes. Not counted in ClinVar's aggregate classification.

CHEO Genetics Diagnostic Laboratory, Children's Hospital of Eastern Ontario
Classification: Likely benign for Breast and/or ovarian cancer. Last evaluated: 2022-07-12. Review status: criteria provided, single submitter. Criteria: ACMG Guidelines, 2015. Collection method: clinical testing. Allele origin: germline. Not counted in ClinVar's aggregate classification.

National Health Laboratory Service, Universitas Academic Hospital and University of the Free State
Classification: Benign for Hereditary breast ovarian cancer syndrome. Last evaluated: 2022-04-19. Review status: criteria provided, single submitter. Criteria: ACMG Guidelines, 2015. Collection method: clinical testing. Allele origin: germline. Affected: yes. Observed: 51 variant alleles. Not counted in ClinVar's aggregate classification.

PreventionGenetics, part of Exact Sciences
Classification: Benign. Last evaluated: 2017-09-29. Review status: criteria provided, single submitter. Criteria: ACMG Guidelines, 2015. Collection method: clinical testing. Allele origin: germline. Not counted in ClinVar's aggregate classification.

Baylor Genetics
Classification: Benign for Familial cancer of breast. Last evaluated: 2017-02-23. Review status: criteria provided, single submitter. Criteria: ACMG Guidelines, 2015. Collection method: clinical testing. Allele origin: germline. Inheritance: Autosomal dominant inheritance. Affected: no. Not counted in ClinVar's aggregate classification.

Laboratory for Molecular Medicine, Mass General Brigham Personalized Medicine
Classification: Benign. Last evaluated: 2016-10-20. Review status: criteria provided, single submitter. Criteria: LMM Criteria. Collection method: clinical testing. Allele origin: germline. Not counted in ClinVar's aggregate classification.
Comment: Variant identified in a genome or exome case(s) and assessed due to predicted null impact of the variant or pathogenic assertions in the literature or databases. Disclaimer: This variant has not undergone full assessment. The following are preliminary notes: Frequency; ClinVar: Classified as benign by ENIGMA expert panel (8/10/15)

Fulgent Genetics
Classification: Likely benign for Breast-ovarian cancer, familial, susceptibility to, 1. Last evaluated: 2015-08-07. Review status: criteria provided, single submitter. Criteria: ACMG Guidelines, 2015. Collection method: clinical testing. Allele origin: unknown. Inheritance: Autosomal dominant inheritance. Not counted in ClinVar's aggregate classification.

Color Diagnostics, LLC DBA Color Health
Classification: Benign for Hereditary cancer-predisposing syndrome. Last evaluated: 2015-06-17. Review status: criteria provided, single submitter. Criteria: ACMG Guidelines, 2015. Collection method: clinical testing. Allele origin: germline. Not counted in ClinVar's aggregate classification.

Ambry Genetics
Classification: Benign for Hereditary cancer-predisposing syndrome. Last evaluated: 2014-11-18. Review status: criteria provided, single submitter. Criteria: Ambry Variant Classification Scheme 2023. Collection method: clinical testing. Allele origin: germline. Not counted in ClinVar's aggregate classification.

Eurofins Ntd Llc (ga)
Classification: Benign. Last evaluated: 2014-08-06. Review status: criteria provided, single submitter. Criteria: EGL Classification Definitions 2015. Collection method: clinical testing. Allele origin: germline. Observed: 1 variant allele, 1 heterozygote. Not counted in ClinVar's aggregate classification.

Women's Health and Genetics/Laboratory Corporation of America, LabCorp
Classification: Benign for Hereditary breast ovarian cancer syndrome. Last evaluated: 2014-04-17. Review status: criteria provided, single submitter. Criteria: LabCorp Variant Classification Summary - May 2015. Collection method: clinical testing. Allele origin: germline. Not counted in ClinVar's aggregate classification.

Counsyl
Classification: Benign for Breast-ovarian cancer, familial 1. Last evaluated: 2014-05-10. Review status: no assertion criteria provided. Collection method: literature only. Allele origin: unknown. Inheritance: Autosomal dominant inheritance. Not counted in ClinVar's aggregate classification.

Sharing Clinical Reports Project (SCRP)
Classification: Benign for Breast-ovarian cancer, familial 1. Last evaluated: 2012-05-01. Review status: no assertion criteria provided. Collection method: clinical testing. Allele origin: germline. Not counted in ClinVar's aggregate classification.

Breast Cancer Information Core (BIC) (BRCA1)
Classification: Uncertain significance for Breast-ovarian cancer, familial 1. Last evaluated: 1999-12-30. Review status: no assertion criteria provided. Collection method: clinical testing. Allele origin: germline. Affected: yes. Observed: 26 variant alleles. Not counted in ClinVar's aggregate classification.

Clinical Genetics DNA and cytogenetics Diagnostics Lab, Erasmus MC, Erasmus Medical Center
Classification: Benign. Review status: no assertion criteria provided. Collection method: clinical testing. Allele origin: germline. Affected: yes. Study: VKGL Data-share Consensus. Not counted in ClinVar's aggregate classification.

Department of Pathology and Laboratory Medicine, Sinai Health System
Classification: Benign. Review status: no assertion criteria provided. Collection method: clinical testing. Allele origin: unknown. Affected: yes. Study: The Canadian Open Genetics Repository (COGR). Not counted in ClinVar's aggregate classification.
Comment: The BRCA1 c.4987-20A>G variant was identified in ClinVar (Benign, reviewed by expert panel. Classified as benign by: ENIGMA, Integrated Genetics, LMM Partners HealthCare, Baylor, EGL, ARUP Laboratories, Invitae, Counsyl, Color, Prevention Genetics, SCRP. Classified as likely benign by COGR, Fulgent. VUS by BIC). The variant was identified in dbSNP (rs80358035). The variant was identified in control databases in 226 of 282334 chromosomes (2 homozygous) at a frequency of 0.0008005, and was observed at the highest frequency in the African population in 209 of 24924 chromosomes (freq: 0.008385) (Genome Aggregation Database March 6, 2019, v2.1.1). The variant occurs outside of the splicing consensus sequence, and in silico or computational prediction software programs (Splice AI exome) do not predict a deleterious effect on splicing. In summary, based on the above information this variant meets our laboratory's criteria to be classified as benign.

Genome Diagnostics Laboratory, University Medical Center Utrecht
Classification: Benign. Review status: no assertion criteria provided. Collection method: clinical testing. Allele origin: germline. Affected: yes. Study: VKGL Data-share Consensus. Not counted in ClinVar's aggregate classification.

Literature cited by the submitters: PubMed 21990134 (cited by Evidence-based Network for the Interpretation of Germline Mutant Alleles (ENIGMA) and Women's Health and Genetics/Laboratory Corporation of America, LabCorp); DOI 10.3389/fgene.2022.834265 (cited by National Health Laboratory Service, Universitas Academic Hospital and University of the Free State); PubMed 20104584 (cited by Women's Health and Genetics/Laboratory Corporation of America, LabCorp and Counsyl); PubMed 16619214 (cited by Women's Health and Genetics/Laboratory Corporation of America, LabCorp and Counsyl); PubMed 11030417 (cited by Women's Health and Genetics/Laboratory Corporation of America, LabCorp); PubMed 16267036 (cited by Counsyl); PubMed 23633455 (cited by Counsyl); PubMed 17924331 (cited by Counsyl).